The following is an entry in ClinVar:

NM_001170629.2(CHD8):c.1601+29C>T

Gene: CHD8 (chromodomain helicase DNA binding protein 8; minus strand). Cytogenetic location: 14q11.2.
Variant type: single nucleotide variant.
Coding change: c.1601+29C>T on transcript NM_001170629.2 (MANE Select); 29 bases into the intron after coding-DNA position 1601, C replaced by T.
Molecular consequence: intron variant.
Genome position (GRCh38, 1-based): chr14:21,427,840, G>A on the plus strand (C>T on the coding strand, the complement: CHD8 is on the minus strand). VCF-style: chr14-21427840-G-A. GRCh37 (hg19) VCF-style: chr14-21895999-G-A.
Other names: c.764+29C>T (NM_020920.4).
Identifiers: ClinVar variation 1208398 (VCV001208398.35), dbSNP rs375282372, ClinGen allele CA7091753.

ClinVar aggregate classification (germline): Likely benign. Review status: criteria provided, multiple submitters, no conflicts (2 of 4 stars). 3 submissions from 3 submitters: Likely benign (3). Last evaluated 2026-03-01.

Allele frequency attached by ClinVar (database versions not stated): gnomAD 0.00021 and 0.00022; ESP Exome Variant Server 0.00032; gnomAD exomes 0.00038; ExAC 0.00043.

Submissions (3):

CeGaT Center for Human Genetics Tuebingen
Classification: Likely benign. Last evaluated: 2026-03-01. Review status: criteria provided, single submitter. Criteria: CeGaT Center For Human Genetics Tuebingen Variant Classification Criteria Version 2. Collection method: clinical testing. Allele origin: germline. Affected: yes. Observed: 2 variant alleles.
Comment: CHD8: BS1

GeneDx
Classification: Likely benign. Last evaluated: 2020-08-03. Review status: criteria provided, single submitter. Criteria: GeneDx Variant Classification Process June 2021. Collection method: clinical testing. Allele origin: germline. Affected: yes.

Breakthrough Genomics
Classification: Likely benign. Review status: criteria provided, single submitter. Criteria: ACMG Guidelines, 2015. Collection method: not provided. Allele origin: germline. Inheritance: Autosomal dominant inheritance. Affected: yes.